The following is an entry in ClinVar:

NM_020812.4(DOCK6):c.5419C>T (p.Pro1807Ser)

Gene: DOCK6 (dedicator of cytokinesis 6; minus strand). Cytogenetic location: 19p13.2.
Variant type: single nucleotide variant.
Coding change: c.5419C>T on transcript NM_020812.4 (MANE Select); coding-DNA position 5419, C replaced by T.
Protein change: p.Pro1807Ser; replaces proline 1807 with serine.
Molecular consequence: missense variant.
Genome position (GRCh38, 1-based): chr19:11,202,426, G>A on the plus strand (C>T on the coding strand, the complement: DOCK6 is on the minus strand). VCF-style: chr19-11202426-G-A. GRCh37 (hg19) VCF-style: chr19-11313102-G-A.
Other names: c.5524C>T, p.Pro1842Ser (NM_001367830.1); short protein forms P1807S, P1842S.
Identifiers: ClinVar variation 2649315 (VCV002649315.24), dbSNP rs2512927746, ClinGen allele CA404074483.

ClinVar aggregate classification (germline): Uncertain significance (1 of 4 stars; one submission).

Submission:

CeGaT Center for Human Genetics Tuebingen
Classification: Uncertain significance. Last evaluated: 2022-07-01. Review status: criteria provided, single submitter. Criteria: CeGaT Center For Human Genetics Tuebingen Variant Classification Criteria Version 2. Collection method: clinical testing. Allele origin: germline. Affected: yes. Observed: 1 variant allele.
Comment: DOCK6: PM2